The following is an entry in ClinVar:

ClinVar aggregate classification (germline): Likely benign (0 of 4 stars; one submission).

Conditions:
TTC8-related disorder. Also called: TTC8-related condition.

Submission:

PreventionGenetics, part of Exact Sciences
Classification: Likely benign for TTC8-related condition. Last evaluated: 2022-08-02. Review status: no assertion criteria provided. Collection method: clinical testing. Allele origin: germline.
Comment: This variant is classified as likely benign based on ACMG/AMP sequence variant interpretation guidelines (Richards et al. 2015 PMID: 25741868, with internal and published modifications).

NM_144596.4(TTC8):c.966C>T (p.Asp322=)

Gene: TTC8 (tetratricopeptide repeat domain 8; plus strand). Cytogenetic location: 14q31.3.
Variant type: single nucleotide variant.
Coding change: c.966C>T on transcript NM_144596.4 (MANE Select); coding-DNA position 966, C replaced by T.
Protein change: p.Asp322=; no amino-acid change (aspartic acid 322 retained).
Molecular consequence: synonymous variant. On other transcripts: non-coding transcript variant (1).
Genome position (GRCh38, 1-based): chr14:88,870,115, C>T. VCF-style: chr14-88870115-C-T. GRCh37 (hg19) VCF-style: chr14-89336459-C-T.
Other names: c.1014C>T, p.Asp338= (NM_001288781.1); c.372C>T, p.Asp124= (NM_001288782.1); c.249C>T, p.Asp83= (NM_001288783.1); c.936C>T, p.Asp312= (NM_001366535.2, NM_198309.3); c.846C>T, p.Asp282= (NM_001366536.2, NM_198310.3).
Identifiers: ClinVar variation 3353873 (VCV003353873.1).